The following is an entry in ClinVar:

ClinVar aggregate classification (germline): Uncertain significance. Review status: criteria provided, multiple submitters, no conflicts (2 of 4 stars). 2 submissions from 2 submitters: Uncertain significance (2). Last evaluated 2022-09-07.

Conditions:
Dyskeratosis congenita. Identifiers: Orphanet 1775, MedGen C0265965, MONDO:0015780.
Cerebroretinal microangiopathy with calcifications and cysts 1 (CRMCC1). Identifiers: Orphanet 313838, MedGen C4552029, MONDO:0024564, OMIM 612199.

Submissions (2):

Labcorp Genetics (formerly Invitae), Labcorp
Classification: Uncertain significance for Dyskeratosis congenita. Last evaluated: 2022-09-07. Review status: criteria provided, single submitter. Criteria: Invitae Variant Classification Sherloc (09022015). Collection method: clinical testing. Allele origin: germline.
Comment: In summary, the available evidence is currently insufficient to determine the role of this variant in disease. Therefore, it has been classified as a Variant of Uncertain Significance. Experimental studies and prediction algorithms are not available or were not evaluated, and the functional significance of this variant is currently unknown. ClinVar contains an entry for this variant (Variation ID: 992912). This variant has not been reported in the literature in individuals affected with CTC1-related conditions. This variant is present in population databases (rs766700799, gnomAD 0.02%). This variant, c.951_956del, results in the deletion of 2 amino acid(s) of the CTC1 protein (p.Leu322_Glu323del), but otherwise preserves the integrity of the reading frame.

Johns Hopkins Genomics, Johns Hopkins University
Classification: Uncertain significance for Cerebroretinal microangiopathy with calcifications and cysts 1. Last evaluated: 2020-12-11. Review status: criteria provided, single submitter. Criteria: ACMG Guidelines, 2015. Collection method: clinical testing. Allele origin: germline.
Comment: This CTC1 in-frame deletion (rs766700799) is rare (<0.1%) in a large population dataset (gnomAD: 7/280926 total alleles; 0.002%; no homozygotes) and has not been reported in ClinVar nor the literature, to our knowledge. One bioinformatic tool queried predict that this substitution would be damaging. The leucine and glutamic acid residues at this position are not highly conserved across the species assessed. We consider the clinical significance of c.951_956del to be uncertain at this time. use genomic coordinates in VV when reporting - BMB 12/10/20

NM_025099.6(CTC1):c.951_956del (p.318LE[2])

Gene: CTC1 (CST telomere replication complex component 1; minus strand). Cytogenetic location: 17p13.1.
Variant type: Deletion.
Coding change: c.951_956del on transcript NM_025099.6 (MANE Select); coding-DNA positions 951 to 956, 6 bases deleted (GCTGGA; older notation c.951_956delGCTGGA).
Protein change: p.318LE[2].
Molecular consequence: inframe deletion. On other transcripts: non-coding transcript variant (1).
Genome position (GRCh38, 1-based): chr17:8,236,179-8,236,184, TCCAGC deleted on the plus strand (GCTGGA on the coding strand, the reverse complement: CTC1 is on the minus strand); deleting any 6 consecutive bases within chr17:8,236,179-8,236,187 gives the same sequence; the c. name uses the placement nearest the transcript's 3' end. VCF-style (leftmost placement, unchanged base first): chr17-8236178-TTCCAGC-T. GRCh37 (hg19) VCF-style: chr17-8139496-TTCCAGC-T.
Identifiers: ClinVar variation 992912 (VCV000992912.5), dbSNP rs766700799, ClinGen allele CA8372515.